The following is an entry in ClinVar:

ClinVar aggregate classification (germline): Uncertain significance. Review status: criteria provided, multiple submitters, no conflicts (2 of 4 stars). 3 submissions from 3 submitters: Uncertain significance (3). Last evaluated 2024-07-06.

Conditions:
Hereditary cancer-predisposing syndrome. Also called: Tumor predisposition; Hereditary Cancer Syndrome; Neoplastic Syndromes, Hereditary; Hereditary neoplastic syndrome. Identifiers: Orphanet 140162, MedGen C0027672, MeSH D009386, MONDO:0015356.
Ataxia-telangiectasia syndrome (AT). Also called: Cerebello-oculocutaneous telangiectasia; Immunodeficiency with ataxia telangiectasia; Ataxia-telangiectasia, complementation group D; AT, COMPLEMENTATION GROUP C; Ataxia-telangiectasia, complementation group E; LOUIS-BAR SYNDROME. Identifiers: Orphanet 100, MedGen C0004135, MONDO:0008840, OMIM 208900.

Submissions (3):

Labcorp Genetics (formerly Invitae), Labcorp
Classification: Uncertain significance for Ataxia-telangiectasia syndrome. Last evaluated: 2024-07-06. Review status: criteria provided, single submitter. Criteria: Invitae Variant Classification Sherloc (09022015). Collection method: clinical testing. Allele origin: germline.
Comment: This sequence change replaces leucine, which is neutral and non-polar, with proline, which is neutral and non-polar, at codon 715 of the ATM protein (p.Leu715Pro). This variant is not present in population databases (gnomAD no frequency). This missense change has been observed in individual(s) with breast cancer (PMID: 30287823). ClinVar contains an entry for this variant (Variation ID: 453404). An algorithm developed to predict the effect of missense changes on protein structure and function (PolyPhen-2) suggests that this variant is likely to be disruptive. In summary, the available evidence is currently insufficient to determine the role of this variant in disease. Therefore, it has been classified as a Variant of Uncertain Significance.

Ambry Genetics
Classification: Uncertain significance for Hereditary cancer-predisposing syndrome. Last evaluated: 2023-06-04. Review status: criteria provided, single submitter. Criteria: Ambry Variant Classification Scheme 2023. Collection method: clinical testing. Allele origin: germline.
Comment: The p.L715P variant (also known as c.2144T>C), located in coding exon 13 of the ATM gene, results from a T to C substitution at nucleotide position 2144. The leucine at codon 715 is replaced by proline, an amino acid with similar properties. This alteration was observed in 1 of 7051 unselected female breast cancer patients and 0 of 11241 female controls of Japanese ancestry as well as 1 in 7636 unselected prostate cancer patients and 0 of 12366 male controls of Japanese ancestry (Momozawa Y et al. Nat Commun, 2018 Oct;9:4083; Momozawa Y et al. J Natl Cancer Inst, 2020 Apr;112:369-376). This amino acid position is well conserved in available vertebrate species. In addition, this alteration is predicted to be deleterious by in silico analysis. Since supporting evidence is limited at this time, the clinical significance of this alteration remains unclear.

Color Diagnostics, LLC DBA Color Health
Classification: Uncertain significance for Hereditary cancer-predisposing syndrome. Last evaluated: 2019-01-01. Review status: criteria provided, single submitter. Criteria: ACMG Guidelines, 2015. Collection method: clinical testing. Allele origin: germline.

Literature cited by the submitters: PubMed 30287823 (cited by Labcorp Genetics (formerly Invitae), Labcorp and Ambry Genetics); PubMed 31214711 (cited by Ambry Genetics).

NM_000051.4(ATM):c.2144T>C (p.Leu715Pro)

Gene: ATM (ATM serine/threonine kinase; plus strand). Cytogenetic location: 11q22.3.
Variant type: single nucleotide variant.
Coding change: c.2144T>C on transcript NM_000051.4 (MANE Select); coding-DNA position 2144, T replaced by C.
Protein change: p.Leu715Pro; replaces leucine 715 with proline.
Molecular consequence: missense variant.
Genome position (GRCh38, 1-based): chr11:108,256,234, T>C. VCF-style: chr11-108256234-T-C. GRCh37 (hg19) VCF-style: chr11-108126961-T-C.
Other names: c.2144T>C, p.Leu715Pro (NM_001351834.2); short protein forms L715P.
Identifiers: ClinVar variation 453404 (VCV000453404.12), dbSNP rs1555074855, ClinGen allele CA382538710.